The following is an entry in ClinVar:

NM_001846.4(COL4A2):c.1538G>A (p.Arg513Lys)

Genes: COL4A2 (collagen type IV alpha 2 chain; plus strand), COL4A2-AS2 (COL4A2 antisense RNA 2; minus strand). Cytogenetic location: 13q34.
Variant type: single nucleotide variant.
Coding change: c.1538G>A on transcript NM_001846.4 (MANE Select); coding-DNA position 1538, G replaced by A.
Protein change: p.Arg513Lys; replaces arginine 513 with lysine.
Molecular consequence: missense variant.
Genome position (GRCh38, 1-based): chr13:110,458,876, G>A. VCF-style: chr13-110458876-G-A. GRCh37 (hg19) VCF-style: chr13-111111223-G-A.
Other names: short protein forms R513K.
Identifiers: ClinVar variation 1482425 (VCV001482425.9), dbSNP rs2139493755, ClinGen allele CA388736722.
Genomic context (GRCh38, chr13:110,458,876, plus strand): 5'-AAGGTCTTCCGGGACTGCCAGGACCCAAGGGCTTCGCAGGCATCAACGGGGAGCCGGGGA[G>A]GAAAGGGGACAGAGGAGACCCCGGCCAACACGGCCTCCCTGGGTTCCCAGGGCTCAAGGT-3'
Protein context (NP_001837.2, residues 503-523): GFAGINGEPG[Arg513Lys]KGDRGDPGQH

ClinVar aggregate classification (germline): Uncertain significance. Review status: criteria provided, multiple submitters, no conflicts (2 of 4 stars). 2 submissions from 2 submitters: Uncertain significance (2). Last evaluated 2024-05-02.

Allele frequency attached by ClinVar (database versions not stated): gnomAD exomes 0.00001.

Submissions (2):

Blueprint Genetics
Classification: Uncertain significance. Last evaluated: 2024-05-02. Review status: criteria provided, single submitter. Criteria: ACMG Guidelines, 2015. Collection method: clinical testing. Allele origin: germline.

Labcorp Genetics (formerly Invitae), Labcorp
Classification: Uncertain significance. Last evaluated: 2022-06-05. Review status: criteria provided, single submitter. Criteria: Invitae Variant Classification Sherloc (09022015). Collection method: clinical testing. Allele origin: germline.
Comment: This sequence change replaces arginine, which is basic and polar, with lysine, which is basic and polar, at codon 513 of the COL4A2 protein (p.Arg513Lys). This variant is not present in population databases (gnomAD no frequency). This variant has not been reported in the literature in individuals affected with COL4A2-related conditions. ClinVar contains an entry for this variant (Variation ID: 1482425). Advanced modeling of protein sequence and biophysical properties (such as structural, functional, and spatial information, amino acid conservation, physicochemical variation, residue mobility, and thermodynamic stability) performed at Invitae indicates that this missense variant is not expected to disrupt COL4A2 protein function. In summary, the available evidence is currently insufficient to determine the role of this variant in disease. Therefore, it has been classified as a Variant of Uncertain Significance.